The following is an entry in ClinVar:

ClinVar aggregate classification (germline): Uncertain significance. Review status: criteria provided, multiple submitters, no conflicts (2 of 4 stars). 2 submissions from 2 submitters: Uncertain significance (2). Last evaluated 2026-05-23.

Conditions:
Inborn genetic diseases. Identifiers: MedGen C0950123, MeSH D030342.

Submissions (2):

Ambry Genetics
Classification: Uncertain significance for Inborn genetic diseases. Last evaluated: 2026-05-23. Review status: criteria provided, single submitter. Criteria: Ambry Variant Classification Scheme 2023. Collection method: clinical testing. Allele origin: germline.

GeneDx
Classification: Uncertain significance. Last evaluated: 2023-12-13. Review status: criteria provided, single submitter. Criteria: GeneDx Variant Classification Process June 2021. Collection method: clinical testing. Allele origin: germline. Affected: yes.
Comment: Not observed at significant frequency in large population cohorts (gnomAD); In silico analysis supports that this missense variant has a deleterious effect on protein structure/function; Has not been previously published as pathogenic or benign to our knowledge

NM_201599.3(ZMYM3):c.403T>C (p.Cys135Arg)

Gene: ZMYM3 (zinc finger MYM-type containing 3; minus strand). Cytogenetic location: Xq13.1.
Variant type: single nucleotide variant.
Coding change: c.403T>C on transcript NM_201599.3 (MANE Select); coding-DNA position 403, T replaced by C.
Protein change: p.Cys135Arg; replaces cysteine 135 with arginine.
Molecular consequence: missense variant.
Genome position (GRCh38, 1-based): chrX:71,252,853, A>G on the plus strand (T>C on the coding strand, the complement: ZMYM3 is on the minus strand). VCF-style: chrX-71252853-A-G. GRCh37 (hg19) VCF-style: chrX-70472703-A-G.
Other names: c.403T>C, p.Cys135Arg (NM_001171162.1, NM_001171163.1, NM_005096.3); short protein forms C135R.
Identifiers: ClinVar variation 3365429 (VCV003365429.2).
Genomic context (GRCh38, chrX:71,252,853, plus strand): 5'-GGGACTGCAGTGTTATTGGAGAATCTGGAGCCAAAGGCTCTAGTAGCCCCTCAGGTGAAC[A>G]GGAATTTGCCCCAGCCCCTGGATCAGGTGGTACCACCTCAGGGGTCTGGCCCCCTGGTCC-3'
Protein context (NP_963893.1, residues 125-145): PPDPGAGANS[Cys135Arg]SPEGLLEPLA